The following is an entry in ClinVar:

NM_017721.5(CC2D1A):c.1724G>A (p.Arg575His)

Gene: CC2D1A (coiled-coil and C2 domain containing 1A; plus strand). Cytogenetic location: 19p13.12.
Variant type: single nucleotide variant.
Coding change: c.1724G>A on transcript NM_017721.5 (MANE Select); coding-DNA position 1724, G replaced by A.
Protein change: p.Arg575His; replaces arginine 575 with histidine.
Molecular consequence: missense variant.
Genome position (GRCh38, 1-based): chr19:13,923,415, G>A. VCF-style: chr19-13923415-G-A. GRCh37 (hg19) VCF-style: chr19-14034228-G-A.
Other names: short protein forms R575H.
Identifiers: ClinVar variation 1030585 (VCV001030585.2), dbSNP rs760191095, ClinGen allele CA9244772.

ClinVar aggregate classification (germline): Uncertain significance. Review status: criteria provided, multiple submitters, no conflicts (2 of 4 stars). 2 submissions from 2 submitters: Uncertain significance (2). Last evaluated 2025-10-07.

Conditions:
Inborn genetic diseases. Identifiers: MedGen C0950123, MeSH D030342.
Intellectual developmental disorder, autosomal recessive 3. Also called: Intellectual disability, autosomal recessive 3. Identifiers: Orphanet 88616, MedGen C1838023, MONDO:0012037, OMIM 608443.

Allele frequency attached by ClinVar (database versions not stated): ExAC 0.00002; gnomAD exomes 0.00001 and 0.00003; gnomAD 0.00003 and 0.00004; TOPMed 0.00002.
gnomAD v4.1: 22 of 1,613,570 alleles (0.0014%); highest among the groups gnomAD compares: Admixed American, 0.0067%; no homozygotes.

Submissions (2):

Ambry Genetics
Classification: Uncertain significance for Inborn genetic diseases. Last evaluated: 2025-10-07. Review status: criteria provided, single submitter. Criteria: Ambry Variant Classification Scheme 2023. Collection method: clinical testing. Allele origin: germline.

Baylor Genetics
Classification: Uncertain significance for Intellectual developmental disorder, autosomal recessive 3. Last evaluated: 2019-03-26. Review status: criteria provided, single submitter. Criteria: ACMG Guidelines, 2015. Collection method: clinical testing. Allele origin: unknown. Affected: yes.
Comment: This variant was determined to be of uncertain significance according to ACMG Guidelines, 2015 [PMID:25741868].